The following is an entry in ClinVar:

NM_000352.6(ABCC8):c.4298G>A (p.Gly1433Asp)

Gene: ABCC8 (ATP binding cassette subfamily C member 8; minus strand). Cytogenetic location: 11p15.1.
Variant type: single nucleotide variant.
Coding change: c.4298G>A on transcript NM_000352.6 (MANE Select); coding-DNA position 4298, G replaced by A.
Protein change: p.Gly1433Asp; replaces glycine 1433 with aspartic acid.
Molecular consequence: missense variant. On other transcripts: non-coding transcript variant (1).
Genome position (GRCh38, 1-based): chr11:17,395,619, C>T on the plus strand (G>A on the coding strand, the complement: ABCC8 is on the minus strand). VCF-style: chr11-17395619-C-T. GRCh37 (hg19) VCF-style: chr11-17417166-C-T.
Other names: c.4301G>A, p.Gly1434Asp (NM_001287174.3); c.4364G>A, p.Gly1455Asp (NM_001351295.2); c.4298G>A, p.Gly1433Asp (NM_001351296.2); c.4295G>A, p.Gly1432Asp (NM_001351297.2); short protein forms G1455D, G1432D, G1434D, G1433D.
Identifiers: ClinVar variation 2023332 (VCV002023332.4), dbSNP rs1469202310, ClinGen allele CA379786355.

ClinVar aggregate classification (germline): Likely pathogenic (1 of 4 stars; one submission).

Allele frequency attached by ClinVar (database versions not stated): gnomAD exomes below 0.00001.
gnomAD v4.1: 1 of 1,552,420 alleles (0.000064%); highest among the groups gnomAD compares: Non-Finnish European, 0.000087%; no homozygotes.

Submission:

Labcorp Genetics (formerly Invitae), Labcorp
Classification: Likely pathogenic. Last evaluated: 2023-09-23. Review status: criteria provided, single submitter. Criteria: Invitae Variant Classification Sherloc (09022015). Collection method: clinical testing. Allele origin: germline.
Comment: In summary, the currently available evidence indicates that the variant is pathogenic, but additional data are needed to prove that conclusively. Therefore, this variant has been classified as Likely Pathogenic. This variant disrupts the p.Gly1433 amino acid residue in ABCC8. Other variant(s) that disrupt this residue have been determined to be pathogenic (PMID: 20685672, 31957151). This suggests that this residue is clinically significant, and that variants that disrupt this residue are likely to be disease-causing. Advanced modeling of protein sequence and biophysical properties (such as structural, functional, and spatial information, amino acid conservation, physicochemical variation, residue mobility, and thermodynamic stability) performed at Invitae indicates that this missense variant is expected to disrupt ABCC8 protein function. ClinVar contains an entry for this variant (Variation ID: 2023332). This variant has not been reported in the literature in individuals affected with ABCC8-related conditions. This variant is not present in population databases (gnomAD no frequency). This sequence change replaces glycine, which is neutral and non-polar, with aspartic acid, which is acidic and polar, at codon 1433 of the ABCC8 protein (p.Gly1433Asp).

Literature cited by the submitters: PubMed 20685672; PubMed 31957151.